The following is an entry in ClinVar:

NM_001278716.2(FBXL4):c.1303C>T (p.Arg435Ter)

Gene: FBXL4 (F-box and leucine rich repeat protein 4; minus strand). Cytogenetic location: 6q16.1.
Variant type: single nucleotide variant.
Coding change: c.1303C>T on transcript NM_001278716.2 (MANE Select); coding-DNA position 1303, C replaced by T.
Protein change: p.Arg435Ter; replaces arginine 435 with a stop codon.
Molecular consequence: nonsense. On other transcripts: non-coding transcript variant (2).
Genome position (GRCh38, 1-based): chr6:98,899,282, G>A on the plus strand (C>T on the coding strand, the complement: FBXL4 is on the minus strand). VCF-style: chr6-98899282-G-A. GRCh37 (hg19) VCF-style: chr6-99347158-G-A.
Other names: c.1303C>T, p.Arg435Ter (NM_012160.5); short protein forms R435*.
Identifiers: ClinVar variation 66091 (VCV000066091.26), dbSNP rs201889294, ClinGen allele CA144886.

ClinVar aggregate classification (germline): Pathogenic. Review status: criteria provided, multiple submitters, no conflicts (2 of 4 stars). 13 submissions from 13 submitters: Pathogenic (12). 1 of the submissions does not count toward it. Last evaluated 2025-12-23.

Conditions:
Inborn genetic diseases. Identifiers: MedGen C0950123, MeSH D030342.
Mitochondrial DNA depletion syndrome. Also called: mitochondrial DNA depletion. Identifiers: Orphanet 35698, MedGen C0342782, MONDO:0018158.
Mitochondrial DNA depletion syndrome 13. Also called: Mitochondrial DNA depletion syndrome 13 (encephalomyopathic type); FBXL4-Related Encephalomyopathic Mitochondrial DNA Depletion Syndrome. Identifiers: Orphanet 369897, MedGen C3809592, MONDO:0014198, OMIM 615471.
Leigh syndrome (NULS). Also called: Subacute necrotizing encephalopathy; Necrotizing encephalopathy infantile subacute of Leigh; Leigh Disease; LEIGH SYNDROME, NUCLEAR; Leigh's syndrome; Leigh's necrotizing encephalopathy. Identifiers: Orphanet 506, MedGen C2931891, MONDO:0009723, OMIM 256000.

Allele frequency attached by ClinVar (database versions not stated): ExAC 0.00005; ESP Exome Variant Server 0.00008; TOPMed 0.00009; gnomAD exomes 0.00004.
gnomAD v4.1: 39 of 1,613,652 alleles (0.0024%); highest among the groups gnomAD compares: East Asian, 0.0045%; no homozygotes.

Submissions (13):

Labcorp Genetics (formerly Invitae), Labcorp
Classification: Pathogenic. Last evaluated: 2025-12-23. Review status: criteria provided, single submitter. Criteria: Invitae Variant Classification Sherloc (09022015). Collection method: clinical testing. Allele origin: germline.
Comment: This sequence change creates a premature translational stop signal (p.Arg435*) in the FBXL4 gene. It is expected to result in an absent or disrupted protein product. Loss-of-function variants in FBXL4 are known to be pathogenic (PMID: 23993193, 23993194, 25868664). This variant is present in population databases (rs201889294, gnomAD 0.01%). This premature translational stop signal has been observed in individual(s) with mitochondrial DNA depletion syndrome (PMID: 23993193, 27099744, 27290639, 30369941, 30771478, 30804983). ClinVar contains an entry for this variant (Variation ID: 66091). For these reasons, this variant has been classified as Pathogenic.

Ambry Genetics
Classification: Pathogenic for Inborn genetic diseases. Last evaluated: 2025-05-13. Review status: criteria provided, single submitter. Criteria: Ambry Variant Classification Scheme 2023. Collection method: clinical testing. Allele origin: germline.
Comment: The c.1303C>T (p.R435*) alteration, located in exon 6 (coding exon 4) of the FBXL4 gene, consists of a C to T substitution at nucleotide position 1303. This changes the amino acid from a arginine (R) to a stop codon at amino acid position 435. This alteration is expected to result in loss of function by premature protein truncation or nonsense-mediated mRNA decay. Based on data from gnomAD, this allele has an overall frequency of 0.004% (10/250950) total alleles studied. The highest observed frequency was 0.016% (1/6112) of Other alleles. This variant has been identified in the homozygous state and/or in conjunction with other FBXL4 variant(s) in individual(s) with features consistent with FBXL4-related mitochondrial DNA depletion syndrome (Bonnen, 2013; Pronicka, 2016; van Rij, 2016; Ambry internal data). Based on the available evidence, this alteration is classified as pathogenic.

Laboratory of Genetics, Children's Clinical University Hospital Latvia
Classification: Pathogenic. Last evaluated: 2025-02-16. Review status: criteria provided, single submitter. Criteria: ACMG Guidelines, 2015. Collection method: clinical testing. Allele origin: germline. Affected: yes.

Women's Health and Genetics/Laboratory Corporation of America, LabCorp
Classification: Pathogenic for Leigh syndrome. Last evaluated: 2024-12-06. Review status: criteria provided, single submitter. Criteria: LabCorp Variant Classification Summary - May 2015. Collection method: clinical testing. Allele origin: germline.
Comment: Variant summary: FBXL4 c.1303C>T (p.Arg435X) results in a premature termination codon, predicted to cause a truncation of the encoded protein or absence of the protein due to nonsense mediated decay, which are commonly known mechanisms for disease. The variant allele was found at a frequency of 4e-05 in 250950 control chromosomes. This frequency is not significantly higher than estimated for a pathogenic variant in FBXL4 causing Leigh Syndrome (4e-05 vs 0.00056), allowing no conclusion about variant significance. c.1303C>T has been reported in the literature in individuals affected with Mitochondrial encephalopathy (example : Bonnen_2013). These data indicate that the variant may be associated with disease. The following publication has been ascertained in the context of this evaluation (PMID: 23993193). ClinVar contains an entry for this variant (Variation ID: 66091). Based on the evidence outlined above, the variant was classified as pathogenic.

Fulgent Genetics
Classification: Pathogenic for Mitochondrial DNA depletion syndrome 13. Last evaluated: 2024-03-02. Review status: criteria provided, single submitter. Criteria: ACMG Guidelines, 2015. Collection method: clinical testing. Allele origin: germline.

GeneDx
Classification: Pathogenic. Last evaluated: 2023-07-22. Review status: criteria provided, single submitter. Criteria: GeneDx Variant Classification Process June 2021. Collection method: clinical testing. Allele origin: germline. Affected: yes.
Comment: Nonsense variant predicted to result in protein truncation or nonsense mediated decay in a gene for which loss of function is a known mechanism of disease; This variant is associated with the following publications: (PMID: 23993193, 27290639, 30804983, 30609409, 30771478, 30369941, 27099744)

3billion
Classification: Pathogenic for Mitochondrial DNA depletion syndrome 13. Last evaluated: 2022-09-01. Review status: criteria provided, single submitter. Criteria: ACMG Guidelines, 2015. Collection method: clinical testing. Allele origin: germline. Affected: yes. Observed: 1 heterozygote.
Comment: The variant is observed at an extremely low frequency in the gnomAD v2.1.1 dataset (total allele frequency: 0.004%). This stop-gained (nonsense) variant is predicted to result in a loss or disruption of normal protein function through nonsense-mediated decay (NMD) or protein truncation. Multiple pathogenic variants are reported downstream of the variant. The variant has been reported at least twice as pathogenic without evidence for the classification (ClinVar ID: VCV000066091/ PMID: 23993193). Therefore, this variant is classified as Pathogenic according to the recommendation of ACMG/AMP guideline.

Revvity Omics, Revvity
Classification: Pathogenic for Mitochondrial DNA depletion syndrome 13. Last evaluated: 2022-08-31. Review status: criteria provided, single submitter. Criteria: ACMG Guidelines, 2015. Collection method: clinical testing. Allele origin: germline.

Victorian Clinical Genetics Services, Murdoch Childrens Research Institute
Classification: Pathogenic for Mitochondrial DNA depletion syndrome 13. Last evaluated: 2022-06-24. Review status: criteria provided, single submitter. Criteria: ACMG Guidelines, 2015. Collection method: clinical testing. Allele origin: germline. Inheritance: Autosomal recessive inheritance. Affected: no.
Comment: Based on the classification scheme VCGS_Germline_v1.3.4, this variant is classified as Pathogenic. Following criteria are met: 0102 - Loss of function is a known mechanism of disease in this gene and is associated with mitochondrial DNA depletion syndrome 13 (encephalomyopathic type) (MIM#615471). (I) 0106 - This gene is associated with autosomal recessive disease. (I) 0115 - Variants in this gene are known to have variable expressivity. Affected individuals carrying the same variant have been reported to display clinical variability (PMID: 30804983). (I) 0201 - Variant is predicted to cause nonsense-mediated decay (NMD) and loss of protein (premature termination codon is located at least 54 nucleotides upstream of the final exon-exon junction). (SP) 0251 - This variant is heterozygous. (I) 0304 - Variant is present in gnomAD (v2) <0.01 for a recessive condition (10 heterozygotes, 0 homozygotes). (SP) 0701 - Other NMD-predicted variants comparable to the one identified in this case have very strong previous evidence for pathogenicity (ClinVar). (SP) 0801 - This variant has strong previous evidence of pathogenicity in unrelated individuals. This variant has been reported as pathogenic in multiple individuals (ClinVar, PMID: 30771478). (SP) 1208 - Inheritance information for this variant is not currently available in this individual. (I) Legend: (SP) - Supporting pathogenic, (I) - Information, (SB) - Supporting benign

Wong Mito Lab, Molecular and Human Genetics, Baylor College of Medicine
Classification: Pathogenic for Mitochondrial DNA depletion syndrome 13. Last evaluated: 2017-08-10. Review status: criteria provided, single submitter. Criteria: ACMG Guidelines, 2015. Collection method: clinical testing. Allele origin: germline. Affected: yes.
Comment: The NM_012160.4:c.1303C>T (NP_036292.2:p.Arg435Ter) [GRCH38: NC_000006.12:g.98899282G>A] variant in FBXL4 gene is interpretated to be a Pathogenic based on ACMG guidelines (PMID: 25741868). This variant has been reported in PMID:23993193 ; 27099744 . This variant meets one or more of the following evidence codes reported in the ACMG-guideline. PVS1:This variant is a predcted null variant in FBXL4 where loss of function is a known mechanism of disease. PM2:This variant is absent in key population databases. PM3:Detected in trans with a pathogenic variant for Mitochondrial DNA depletion syndrome 13 which is a recessive disorder. PP4:Patientâ€™s phenotype or family history is highly specific for FBXL4. PP5:Reputable source(s) suggest that the variant is pathogenic. Based on this evidence code ClinGen Pathogenicity Calculator (PMID:28081714) suggested that the variant is Pathogenic.

Laboratory for Molecular Medicine, Mass General Brigham Personalized Medicine
Classification: Pathogenic for Mitochondrial DNA depletion syndrome. Last evaluated: 2016-12-23. Review status: criteria provided, single submitter. Criteria: LMM Criteria. Collection method: clinical testing. Allele origin: germline. Inheritance: Autosomal recessive inheritance. Observed: 1 variant allele.
Comment: The p.Arg435X (NM_012160.4 c.1303C>T) variant in FBXL4 has been reported in 1 ho mozygous and 2 compound heterozygous individuals with clinical features of mitoc hondrial DNA depletion syndrome 13 (Bonnen 2013, Van Rij 2016, and Prionska 2016 ). This variant has been identified in 0.012% (1/8652) of East Asian chromosomes by the Exome Aggregation Consortium (ExAC; dbSN P rs201889294). This nonsense variant leads to a premature termination codon at position 435, which is predicted to lead to a truncated or absent protein. In su mmary, the p.Arg435X variant meets criteria to be classified as pathogenic for m itochondrial DNA depletion syndrome in an autosomal recessive manner, based upon occurrence in patients and predicted functional impact.

Juno Genomics, Hangzhou Juno Genomics, Inc
Classification: Pathogenic for Mitochondrial DNA depletion syndrome 13. Review status: criteria provided, single submitter. Criteria: ACMG Guidelines, 2015. Collection method: clinical testing. Allele origin: germline.
Comment: Absent from controls (or at extremely low frequency if recessive) in Genome Aggregation Database.;Null variant in a gene where loss of function (LOF) is a known mechanism of disease.;For recessive disorders, detected in trans with a pathogenic variant.

OMIM
Classification: Pathogenic for MITOCHONDRIAL DNA DEPLETION SYNDROME 13 (ENCEPHALOMYOPATHIC TYPE). Last evaluated: 2013-09-05. Review status: no assertion criteria provided. Collection method: literature only. Allele origin: germline. Not counted in ClinVar's aggregate classification.

Literature cited by the submitters: PubMed 23993193 (cited by 7 submitters); PubMed 23993194 (cited by Labcorp Genetics (formerly Invitae), Labcorp); PubMed 25868664 (cited by Labcorp Genetics (formerly Invitae), Labcorp); PubMed 27099744 (cited by 4 submitters); PubMed 27290639 (cited by 3 submitters); PubMed 30369941 (cited by Labcorp Genetics (formerly Invitae), Labcorp); PubMed 30771478 (cited by Labcorp Genetics (formerly Invitae), Labcorp and Victorian Clinical Genetics Services, Murdoch Childrens Research Institute); PubMed 30804983 (cited by Labcorp Genetics (formerly Invitae), Labcorp and Victorian Clinical Genetics Services, Murdoch Childrens Research Institute).